The following is an entry in ClinVar:

ClinVar aggregate classification (germline): Uncertain significance (1 of 4 stars; one submission).

Submission:

GeneDx
Classification: Uncertain significance. Last evaluated: 2025-08-04. Review status: criteria provided, single submitter. Criteria: GeneDx Variant Classification Process June 2021. Collection method: clinical testing. Allele origin: germline. Affected: yes.
Comment: Not observed at significant frequency in large population cohorts (gnomAD); In silico analysis supports that this missense variant has a deleterious effect on protein structure/function; Has not been previously published as pathogenic or benign to our knowledge

NM_004415.4(DSP):c.5061G>T (p.Lys1687Asn)

Gene: DSP (desmoplakin; plus strand). Cytogenetic location: 6p24.3.
Variant type: single nucleotide variant.
Coding change: c.5061G>T on transcript NM_004415.4 (MANE Select); coding-DNA position 5061, G replaced by T.
Protein change: p.Lys1687Asn; replaces lysine 1687 with asparagine.
Molecular consequence: missense variant. On other transcripts: intron variant (2).
Genome position (GRCh38, 1-based): chr6:7,581,251, G>T. VCF-style: chr6-7581251-G-T. GRCh37 (hg19) VCF-style: chr6-7581484-G-T.
Other names: c.4050+1011G>T (NM_001319034.2); c.3583-1391G>T (NM_001008844.3); short protein forms K1687N.
Identifiers: ClinVar variation 4756030 (VCV004756030.1).